The following is an entry in ClinVar:

NM_006096.4(NDRG1):c.529G>A (p.Ala177Thr)

Gene: NDRG1 (N-myc downstream regulated 1; minus strand). Cytogenetic location: 8q24.22.
Variant type: single nucleotide variant.
Coding change: c.529G>A on transcript NM_006096.4 (MANE Select); coding-DNA position 529, G replaced by A.
Protein change: p.Ala177Thr; replaces alanine 177 with threonine.
Molecular consequence: missense variant.
Genome position (GRCh38, 1-based): chr8:133,256,785, C>T on the plus strand (G>A on the coding strand, the complement: NDRG1 is on the minus strand). VCF-style: chr8-133256785-C-T. GRCh37 (hg19) VCF-style: chr8-134269028-C-T.
Other names: c.529G>A, p.Ala177Thr (NM_001135242.2, NM_001374844.1, NM_001374845.1 and 1 more transcripts); c.331G>A, p.Ala111Thr (NM_001258432.2, NM_001374847.1); c.286G>A, p.Ala96Thr (NM_001258433.2); short protein forms A111T, A177T, A96T.
Identifiers: ClinVar variation 1061287 (VCV001061287.8), dbSNP rs753878542, ClinGen allele CA4886722.
Genomic context (GRCh38, chr8:133,256,785, plus strand): 5'-CCTGTCCCTCTTCTTGCAGGGATCCCGCCGGCCTGACAGGCCCCCACCTCACCTTGGAGG[C>T]GGCCCAGTCCATCCAGCCTTCCGCACAAGGGTTCACGTTGATAAGGACAAGGCCCTCCAC-3'
Protein context (NP_006087.2, residues 167-187): PCAEGWMDWA[Ala177Thr]SKISGWTQAL

ClinVar aggregate classification (germline): Uncertain significance (1 of 4 stars; one submission).

Conditions:
Charcot-Marie-Tooth disease type 4. Also called: Charcot-Marie-Tooth disease, type IV; Charcot-Marie-Tooth, Type 4. Identifiers: Orphanet 64749, MedGen C4082197, MONDO:0018995.

Allele frequency attached by ClinVar (database versions not stated): gnomAD exomes below 0.00001 and 0.00001; ExAC 0.00001.

Submission:

Labcorp Genetics (formerly Invitae), Labcorp
Classification: Uncertain significance for Charcot-Marie-Tooth disease type 4. Last evaluated: 2024-02-17. Review status: criteria provided, single submitter. Criteria: Invitae Variant Classification Sherloc (09022015). Collection method: clinical testing. Allele origin: germline.
Comment: This sequence change replaces alanine, which is neutral and non-polar, with threonine, which is neutral and polar, at codon 177 of the NDRG1 protein (p.Ala177Thr). The frequency data for this variant in the population databases is considered unreliable, as metrics indicate poor data quality at this position in the gnomAD database. This variant has not been reported in the literature in individuals affected with NDRG1-related conditions. ClinVar contains an entry for this variant (Variation ID: 1061287). Advanced modeling of protein sequence and biophysical properties (such as structural, functional, and spatial information, amino acid conservation, physicochemical variation, residue mobility, and thermodynamic stability) performed at Invitae indicates that this missense variant is not expected to disrupt NDRG1 protein function with a negative predictive value of 80%. In summary, the available evidence is currently insufficient to determine the role of this variant in disease. Therefore, it has been classified as a Variant of Uncertain Significance.